The following is an entry in ClinVar:

NM_201384.3(PLEC):c.5115G>A (p.Ala1705=)

Gene: PLEC (plectin; minus strand). Cytogenetic location: 8q24.3.
Variant type: single nucleotide variant.
Coding change: c.5115G>A on transcript NM_201384.3 (MANE Select); coding-DNA position 5115, G replaced by A.
Protein change: p.Ala1705=; no amino-acid change (alanine 1705 retained).
Molecular consequence: synonymous variant.
Genome position (GRCh38, 1-based): chr8:143,924,814, C>T on the plus strand (G>A on the coding strand, the complement: PLEC is on the minus strand). VCF-style: chr8-143924814-C-T. GRCh37 (hg19) VCF-style: chr8-144998982-C-T.
Other names: c.5196G>A, p.Ala1732= (NM_000445.5); c.5073G>A, p.Ala1691= (NM_201378.4); c.5049G>A, p.Ala1683= (NM_201379.3); c.5526G>A, p.Ala1842= (NM_201380.4); c.5019G>A, p.Ala1673= (NM_201381.3); c.5115G>A, p.Ala1705= (NM_201382.4); c.5127G>A, p.Ala1709= (NM_201383.3).
Identifiers: ClinVar variation 771975 (VCV000771975.38), dbSNP rs782757364, ClinGen allele CA4926427.

ClinVar aggregate classification (germline): Conflicting classifications of pathogenicity. Review status: criteria provided, conflicting classifications (1 of 4 stars). 5 submissions from 5 submitters: Uncertain significance (1); Likely benign (4). Last evaluated 2025-03-25.

Conditions:
Epidermolysis bullosa simplex 5B, with muscular dystrophy (EBS5B). Also called: Epidermolysis bullosa simplex with muscular dystrophy; EPIDERMOLYSIS BULLOSA SIMPLEX AND LIMB-GIRDLE MUSCULAR DYSTROPHY. Identifiers: Orphanet 257, MedGen C2931072, MONDO:0009181, OMIM 226670.
Epidermolysis bullosa simplex, Ogna type (EBS5A). Also called: Pidermolysis bullosa simplex 5A, Ogna type; EPIDERMOLYSIS BULLOSA SIMPLEX 5A, OGNA TYPE. Identifiers: Orphanet 79401, MedGen C0432317, MONDO:0007555, OMIM 131950.
Epidermolysis bullosa simplex 5C, with pyloric atresia (EBS5C). Also called: PLEC-Related Epidermolysis Bullosa with Pyloric Atresia; Epidermolysis bullosa simplex with pyloric atresia; PLEC1-Related Epidermolysis Bullosa with Pyloric Atresia. Identifiers: Orphanet 158684, MedGen C2677349, MONDO:0012807, OMIM 612138.
Epidermolysis bullosa simplex with nail dystrophy (EBS5D). Identifiers: MedGen C4225309, MONDO:0014661, OMIM 616487.
Autosomal recessive limb-girdle muscular dystrophy type 2Q (LGMDR17). Also called: MUSCULAR DYSTROPHY, LIMB-GIRDLE, AUTOSOMAL RECESSIVE 17. Identifiers: Orphanet 254361, MedGen C3150989, MONDO:0013390, OMIM 613723.

Allele frequency attached by ClinVar (database versions not stated): ExAC below 0.00001; gnomAD 0.00004; TOPMed 0.00004; gnomAD exomes 0.00006.
gnomAD v4.1: 60 of 1,540,476 alleles (0.0039%); highest among the groups gnomAD compares: South Asian, 0.0047%; no homozygotes.

Submissions (5):

Labcorp Genetics (formerly Invitae), Labcorp
Classification: Likely benign for Autosomal recessive limb-girdle muscular dystrophy type 2Q; Epidermolysis bullosa simplex, Ogna type; Epidermolysis bullosa simplex with nail dystrophy; Epidermolysis bullosa simplex 5C, with pyloric atresia; Epidermolysis bullosa simplex 5B, with muscular dystrophy. Last evaluated: 2025-03-25. Review status: criteria provided, single submitter. Criteria: Invitae Variant Classification Sherloc (09022015). Collection method: clinical testing. Allele origin: germline.

CeGaT Center for Human Genetics Tuebingen
Classification: Likely benign. Last evaluated: 2023-09-01. Review status: criteria provided, single submitter. Criteria: CeGaT Center For Human Genetics Tuebingen Variant Classification Criteria Version 2. Collection method: clinical testing. Allele origin: germline. Affected: yes. Observed: 1 variant allele.
Comment: PLEC: BP4, BP7

Athena Diagnostics
Classification: Likely benign. Last evaluated: 2020-03-31. Review status: criteria provided, single submitter. Criteria: Athena Diagnostics Criteria. Collection method: clinical testing. Allele origin: unknown.

Revvity Omics, Revvity
Classification: Uncertain significance. Last evaluated: 2019-09-19. Review status: criteria provided, single submitter. Criteria: ACMG Guidelines, 2015. Collection method: clinical testing. Allele origin: germline.

Breakthrough Genomics
Classification: Likely benign. Review status: criteria provided, single submitter. Criteria: ACMG Guidelines, 2015. Collection method: not provided. Allele origin: germline. Inheritance: Autosomal recessive inheritance. Affected: yes.